The following is an entry in ClinVar:

ClinVar aggregate classification (germline): not provided (0 of 4 stars; one submission).

Allele frequency attached by ClinVar (database versions not stated): gnomAD below 0.00001 and 0.00005; TOPMed 0.00001; gnomAD exomes 0.00014 and 0.00028; 1000 Genomes Project 0.00020; 1000 Genomes Project 30x 0.00031; ExAC 0.00033.
gnomAD v4.1: 213 of 1,613,870 alleles (0.013%); highest among the groups gnomAD compares: South Asian, 0.22%; 2 homozygotes.

Submission:

ITMI
No classification provided. Condition: AllHighlyPenetrant. Last evaluated: 2013-09-19. Review status: no classification provided. Collection method: reference population. Allele origin: germline.
Comment: Please see associated publication for description of ethnicities

Literature cited by the submitters: PubMed 24728327.

NM_001349798.2(FBXW7):c.502-2437G>A

Gene: FBXW7 (F-box and WD repeat domain containing 7; minus strand). Cytogenetic location: 4q31.3.
Variant type: single nucleotide variant.
Coding change: c.502-2437G>A on transcript NM_001349798.2 (MANE Select); 2437 bases into the intron before coding-DNA position 502, G replaced by A.
Molecular consequence: intron variant. On other transcripts: missense variant (1).
Genome position (GRCh38, 1-based): chr4:152,352,561, C>T on the plus strand (G>A on the coding strand, the complement: FBXW7 is on the minus strand). VCF-style: chr4-152352561-C-T. GRCh37 (hg19) VCF-style: chr4-153273713-C-T.
Other names: c.148-2437G>A (LRG_1141t3, NM_001013415.2); c.502-2437G>A (LRG_1141t1, NM_033632.3); c.170G>A, p.Ser57Asn (LRG_1141t2, NM_018315.5); short protein forms S57N.
Identifiers: ClinVar variation 134380 (VCV000134380.1), dbSNP rs537589828, ClinGen allele CA159650.